The following is an entry in ClinVar:

NM_152641.4(ARID2):c.5440T>A (p.Cys1814Ser)

Gene: ARID2 (AT-rich interaction domain 2; plus strand). Cytogenetic location: 12q12.
Variant type: single nucleotide variant.
Coding change: c.5440T>A on transcript NM_152641.4 (MANE Select); coding-DNA position 5440, T replaced by A.
Protein change: p.Cys1814Ser; replaces cysteine 1814 with serine.
Molecular consequence: missense variant.
Genome position (GRCh38, 1-based): chr12:45,905,010, T>A. VCF-style: chr12-45905010-T-A. GRCh37 (hg19) VCF-style: chr12-46298793-T-A.
Other names: short protein forms C1814S.
Identifiers: ClinVar variation 3900989 (VCV003900989.1).

ClinVar aggregate classification (germline): Uncertain significance (1 of 4 stars; one submission).

Conditions:
Coffin-Siris syndrome 6. Identifiers: MedGen C4540499, MONDO:0033492, OMIM 617808.

Submission:

Laboratorio de Genetica e Diagnostico Molecular, Hospital Israelita Albert Einstein
Classification: Uncertain significance for Coffin-Siris syndrome 6. Last evaluated: 2025-02-25. Review status: criteria provided, single submitter. Criteria: ACMG Guidelines, 2015. Collection method: clinical testing. Allele origin: germline. Affected: yes.
Comment: ACMG classification criteria: PM2 supporting, PP2 supporting